The following is an entry in ClinVar:

NM_022095.4(ZNF335):c.1319G>T (p.Arg440Leu)

Gene: ZNF335 (zinc finger protein 335; minus strand). Cytogenetic location: 20q13.12.
Variant type: single nucleotide variant.
Coding change: c.1319G>T on transcript NM_022095.4 (MANE Select); coding-DNA position 1319, G replaced by T.
Protein change: p.Arg440Leu; replaces arginine 440 with leucine.
Molecular consequence: missense variant.
Genome position (GRCh38, 1-based): chr20:45,963,774, C>A on the plus strand (G>T on the coding strand, the complement: ZNF335 is on the minus strand). VCF-style: chr20-45963774-C-A. GRCh37 (hg19) VCF-style: chr20-44592413-C-A.
Other names: short protein forms R440L.
Identifiers: ClinVar variation 130792 (VCV000130792.10), dbSNP rs530390392, ClinGen allele CA231667.

ClinVar aggregate classification (germline): Uncertain significance. Review status: criteria provided, multiple submitters, no conflicts (2 of 4 stars). 3 submissions from 3 submitters: Uncertain significance (3). Last evaluated 2023-12-18.

Conditions:
Inborn genetic diseases. Identifiers: MedGen C0950123, MeSH D030342.

Allele frequency attached by ClinVar (database versions not stated): TOPMed 0.00015; 1000 Genomes Project 30x 0.00016; 1000 Genomes Project 0.00020.
gnomAD v4.1: 59 of 1,614,148 alleles (0.0037%); highest among the groups gnomAD compares: Admixed American, 0.082%; no homozygotes.

Submissions (3):

Ambry Genetics
Classification: Uncertain significance for Inborn genetic diseases. Last evaluated: 2023-12-18. Review status: criteria provided, single submitter. Criteria: Ambry Variant Classification Scheme 2023. Collection method: clinical testing. Allele origin: germline.

Labcorp Genetics (formerly Invitae), Labcorp
Classification: Uncertain significance. Last evaluated: 2022-07-14. Review status: criteria provided, single submitter. Criteria: Invitae Variant Classification Sherloc (09022015). Collection method: clinical testing. Allele origin: germline.
Comment: In summary, the available evidence is currently insufficient to determine the role of this variant in disease. Therefore, it has been classified as a Variant of Uncertain Significance. Algorithms developed to predict the effect of missense changes on protein structure and function are either unavailable or do not agree on the potential impact of this missense change (SIFT: "Deleterious"; PolyPhen-2: "Probably Damaging"; Align-GVGD: "Class C0"). ClinVar contains an entry for this variant (Variation ID: 130792). This variant has not been reported in the literature in individuals affected with ZNF335-related conditions. This variant is present in population databases (rs530390392, gnomAD 0.02%). This sequence change replaces arginine, which is basic and polar, with leucine, which is neutral and non-polar, at codon 440 of the ZNF335 protein (p.Arg440Leu).

Genetic Services Laboratory, University of Chicago
Classification: Uncertain significance. Last evaluated: 2014-03-19. Review status: criteria provided, single submitter. Criteria: ACMG Guidelines, 2007. Collection method: clinical testing. Allele origin: germline. Inheritance: Autosomal recessive inheritance.